The following is an entry in ClinVar:

ClinVar aggregate classification (germline): Uncertain significance (1 of 4 stars; one submission).

Allele frequency attached by ClinVar (database versions not stated): ExAC 0.00003; 1000 Genomes Project 0.00020; 1000 Genomes Project 30x 0.00031.
gnomAD v4.1: 32 of 1,613,742 alleles (0.002%); highest among the groups gnomAD compares: Admixed American, 0.017%; no homozygotes.

Submission:

Labcorp Genetics (formerly Invitae), Labcorp
Classification: Uncertain significance. Last evaluated: 2024-01-13. Review status: criteria provided, single submitter. Criteria: Invitae Variant Classification Sherloc (09022015). Collection method: clinical testing. Allele origin: germline.
Comment: This sequence change replaces arginine, which is basic and polar, with histidine, which is basic and polar, at codon 1410 of the LTBP2 protein (p.Arg1410His). This variant is present in population databases (rs543585255, gnomAD 0.01%). This variant has not been reported in the literature in individuals affected with LTBP2-related conditions. ClinVar contains an entry for this variant (Variation ID: 2072609). An algorithm developed to predict the effect of missense changes on protein structure and function (PolyPhen-2) suggests that this variant¬†is likely to be tolerated. In summary, the available evidence is currently insufficient to determine the role of this variant in disease. Therefore, it has been classified as a Variant of Uncertain Significance.

NM_000428.3(LTBP2):c.4229G>A (p.Arg1410His)

Gene: LTBP2 (latent transforming growth factor beta binding protein 2; minus strand). Cytogenetic location: 14q24.3.
Variant type: single nucleotide variant.
Coding change: c.4229G>A on transcript NM_000428.3 (MANE Select); coding-DNA position 4229, G replaced by A.
Protein change: p.Arg1410His; replaces arginine 1410 with histidine.
Molecular consequence: missense variant.
Genome position (GRCh38, 1-based): chr14:74,505,123, C>T on the plus strand (G>A on the coding strand, the complement: LTBP2 is on the minus strand). VCF-style: chr14-74505123-C-T. GRCh37 (hg19) VCF-style: chr14-74971826-C-T.
Other names: short protein forms R1410H.
Identifiers: ClinVar variation 2072609 (VCV002072609.2), dbSNP rs543585255, ClinGen allele CA7268816.